The following is an entry in ClinVar:

NM_001849.4(COL6A2):c.1703C>T (p.Pro568Leu)

Gene: COL6A2 (collagen type VI alpha 2 chain; plus strand). Cytogenetic location: 21q22.3.
Variant type: single nucleotide variant.
Coding change: c.1703C>T on transcript NM_001849.4 (MANE Select); coding-DNA position 1703, C replaced by T.
Protein change: p.Pro568Leu; replaces proline 568 with leucine.
Molecular consequence: missense variant.
Genome position (GRCh38, 1-based): chr21:46,124,682, C>T. VCF-style: chr21-46124682-C-T. GRCh37 (hg19) VCF-style: chr21-47544596-C-T.
Other names: c.1703C>T, p.Pro568Leu (NM_058174.3, NM_058175.3); short protein forms P568L.
Identifiers: ClinVar variation 1389681 (VCV001389681.8), dbSNP rs2123658612, ClinGen allele CA410535945.
Genomic context (GRCh38, chr21:46,124,682, plus strand): 5'-GAAGCCCACCTGTTCTTGTTCCTTCTCAGGCGGATCCTGGTCCCCCTGGTGAGCCAGGCC[C>T]TCGGGGGCCAAGAGGAGTCCCAGGACCCGAGGTAGGTTGGTGGCCAGTCCCCATGCCCTC-3'
Protein context (NP_001840.3, residues 558-578): ADPGPPGEPG[Pro568Leu]RGPRGVPGPE

ClinVar aggregate classification (germline): Uncertain significance (1 of 4 stars; one submission).

Conditions:
Bethlem myopathy 1A. Also called: Bethlem myopathy 1; Bethlem Muscular Dystrophy; MYOPATHY, BENIGN CONGENITAL, WITH CONTRACTURES. Identifiers: Orphanet 610, MedGen CN029274, MONDO:0024530, OMIM 158810.

gnomAD v4.1: 2 of 1,612,930 alleles (0.00012%); highest among the groups gnomAD compares: Non-Finnish European, 0.00017%; no homozygotes.

Submission:

Labcorp Genetics (formerly Invitae), Labcorp
Classification: Uncertain significance for Bethlem myopathy 1A. Last evaluated: 2021-07-08. Review status: criteria provided, single submitter. Criteria: Invitae Variant Classification Sherloc (09022015). Collection method: clinical testing. Allele origin: germline.
Comment: In summary, the available evidence is currently insufficient to determine the role of this variant in disease. Therefore, it has been classified as a Variant of Uncertain Significance. Advanced modeling of protein sequence and biophysical properties (such as structural, functional, and spatial information, amino acid conservation, physicochemical variation, residue mobility, and thermodynamic stability) performed at Invitae indicates that this missense variant is not expected to disrupt COL6A2 protein function. This variant has not been reported in the literature in individuals affected with COL6A2-related conditions. This variant is not present in population databases (ExAC no frequency). This sequence change replaces proline with leucine at codon 568 of the COL6A2 protein (p.Pro568Leu). The proline residue is weakly conserved and there is a moderate physicochemical difference between proline and leucine.